The following is an entry in ClinVar:

NM_001100913.3(PACS2):c.623C>T (p.Ser208Phe)

Gene: PACS2 (phosphofurin acidic cluster sorting protein 2; plus strand). Cytogenetic location: 14q32.33.
Variant type: single nucleotide variant.
Coding change: c.623C>T on transcript NM_001100913.3 (MANE Select); coding-DNA position 623, C replaced by T.
Protein change: p.Ser208Phe; replaces serine 208 with phenylalanine.
Molecular consequence: missense variant.
Genome position (GRCh38, 1-based): chr14:105,368,110, C>T. VCF-style: chr14-105368110-C-T. GRCh37 (hg19) VCF-style: chr14-105834447-C-T.
Other names: c.422C>T, p.Ser141Phe (NM_001243127.3); c.623C>T, p.Ser208Phe (NM_015197.4); short protein forms S141F, S208F.
Identifiers: ClinVar variation 1315227 (VCV001315227.8), dbSNP rs2141147698, ClinGen allele CA391174495.

ClinVar aggregate classification (germline): Conflicting classifications of pathogenicity. Review status: criteria provided, conflicting classifications (1 of 4 stars). 2 submissions from 2 submitters: Likely pathogenic (1); Uncertain significance (1). Last evaluated 2024-07-22.

Submissions (2):

GeneDx
Classification: Likely pathogenic. Last evaluated: 2024-07-22. Review status: criteria provided, single submitter. Criteria: GeneDx Variant Classification Process June 2021. Collection method: clinical testing. Allele origin: germline. Affected: yes.
Comment: Not observed at significant frequency in large population cohorts (gnomAD); In silico analysis supports that this missense variant has a deleterious effect on protein structure/function; Has not been previously published as pathogenic or benign to our knowledge

Labcorp Genetics (formerly Invitae), Labcorp
Classification: Uncertain significance. Last evaluated: 2023-12-30. Review status: criteria provided, single submitter. Criteria: Invitae Variant Classification Sherloc (09022015). Collection method: clinical testing. Allele origin: germline.
Comment: This sequence change replaces serine, which is neutral and polar, with phenylalanine, which is neutral and non-polar, at codon 208 of the PACS2 protein (p.Ser208Phe). This variant is not present in population databases (gnomAD no frequency). This missense change has been observed in individual(s) with clinical features of developmental and epileptic encephalopathy (Invitae). It has also been observed to segregate with disease in related individuals. ClinVar contains an entry for this variant (Variation ID: 1315227). An algorithm developed to predict the effect of missense changes on protein structure and function (PolyPhen-2) suggests that this variant is likely to be disruptive. In summary, the available evidence is currently insufficient to determine the role of this variant in disease. Therefore, it has been classified as a Variant of Uncertain Significance.